The following is an entry in ClinVar:

ClinVar aggregate classification (germline): Uncertain significance. Review status: criteria provided, single submitter (1 of 4 stars). 2 submissions from 2 submitters: Uncertain significance (1). 1 of the submissions does not count toward it. Last evaluated 2022-06-17.

Conditions:
NADSYN1-related disorder. Also called: NADSYN1-related condition.
Vertebral, cardiac, renal, and limb defects syndrome 3. Also called: CONGENITAL NAD DEFICIENCY DISORDER 3. Identifiers: MedGen C5394250, MONDO:0030077, OMIM 618845.

Submissions (2):

Revvity Omics, Revvity
Classification: Uncertain significance for Vertebral, cardiac, renal, and limb defects syndrome 3. Last evaluated: 2022-06-17. Review status: criteria provided, single submitter. Criteria: ACMG Guidelines, 2015. Collection method: clinical testing. Allele origin: germline.

PreventionGenetics, part of Exact Sciences
Classification: Likely pathogenic for NADSYN1-related condition. Last evaluated: 2024-04-11. Review status: no assertion criteria provided. Collection method: clinical testing. Allele origin: germline. Not counted in ClinVar's aggregate classification.
Comment: The NADSYN1 c.1189C>T variant is predicted to result in premature protein termination (p.Gln397*). To our knowledge, this variant has not been reported in the literature or in a large population database, indicating this variant is rare. Nonsense variants in NADSYN1 are expected to be pathogenic. This variant is interpreted as likely pathogenic.

NM_018161.5(NADSYN1):c.1189C>T (p.Gln397Ter)

Gene: NADSYN1 (NAD synthetase 1; plus strand). Cytogenetic location: 11q13.4.
Variant type: single nucleotide variant.
Coding change: c.1189C>T on transcript NM_018161.5 (MANE Select); coding-DNA position 1189, C replaced by T.
Protein change: p.Gln397Ter; replaces glutamine 397 with a stop codon.
Molecular consequence: nonsense.
Genome position (GRCh38, 1-based): chr11:71,482,887, C>T. VCF-style: chr11-71482887-C-T. GRCh37 (hg19) VCF-style: chr11-71193933-C-T.
Other names: c.1189C>T (NM_018161.4); short protein forms Q397*.
Identifiers: ClinVar variation 2434023 (VCV002434023.4), dbSNP rs1949718624, ClinGen allele CA381706848.